The following is an entry in ClinVar:

ClinVar aggregate classification (germline): Uncertain significance (1 of 4 stars; one submission).

gnomAD v4.1: 4 of 1,583,418 alleles (0.00025%); highest among the groups gnomAD compares: African/African-American, 0.0013%; no homozygotes.

Submission:

Labcorp Genetics (formerly Invitae), Labcorp
Classification: Uncertain significance. Last evaluated: 2025-07-27. Review status: criteria provided, single submitter. Criteria: Invitae Variant Classification Sherloc (09022015). Collection method: clinical testing. Allele origin: germline.
Comment: This sequence change replaces histidine, which is basic and polar, with tyrosine, which is neutral and polar, at codon 654 of the TCIRG1 protein (p.His654Tyr). This variant is not present in population databases (gnomAD no frequency). This variant has not been reported in the literature in individuals affected with TCIRG1-related conditions. Invitae Evidence Modeling of protein sequence and biophysical properties (such as structural, functional, and spatial information, amino acid conservation, physicochemical variation, residue mobility, and thermodynamic stability) indicates that this missense variant is not expected to disrupt TCIRG1 protein function with a negative predictive value of 80%. In summary, the available evidence is currently insufficient to determine the role of this variant in disease. Therefore, it has been classified as a Variant of Uncertain Significance.

NM_006019.4(TCIRG1):c.1960C>T (p.His654Tyr)

Gene: TCIRG1 (T cell immune regulator 1, ATPase H+ transporting V0 subunit a3; plus strand). Cytogenetic location: 11q13.2.
Variant type: single nucleotide variant.
Coding change: c.1960C>T on transcript NM_006019.4 (MANE Select); coding-DNA position 1960, C replaced by T.
Protein change: p.His654Tyr; replaces histidine 654 with tyrosine.
Molecular consequence: missense variant.
Genome position (GRCh38, 1-based): chr11:68,049,735, C>T. VCF-style: chr11-68049735-C-T. GRCh37 (hg19) VCF-style: chr11-67817202-C-T.
Other names: c.1066C>T, p.His356Tyr (NM_001351059.2); c.1960C>T, p.His654Tyr (NM_001440552.1, NM_001440553.1, NM_001440554.1 and 2 more transcripts); c.1918C>T, p.His640Tyr (NM_001440555.1, NM_001440556.1, NM_001440563.1); c.1747C>T, p.His583Tyr (NM_001440559.1, NM_001440560.1, NM_001440561.1 and 2 more transcripts); c.1705C>T, p.His569Tyr (NM_001440564.1); c.1660C>T, p.His554Tyr (NM_001440565.1); c.1498C>T, p.His500Tyr (NM_001440567.1); c.1492C>T, p.His498Tyr (NM_001440568.1); and 2 more; short protein forms H498Y, H640Y, H654Y, H583Y, H356Y, H438Y, H500Y, H554Y.
Identifiers: ClinVar variation 4696564 (VCV004696564.1).